The following is an entry in ClinVar:

ClinVar aggregate classification (germline): Pathogenic (1 of 4 stars; one submission).

Conditions:
Peroxisome biogenesis disorder 7A (Zellweger). Also called: Peroxisome biogenesis disorder 7A. Identifiers: Orphanet 912, MedGen C3888385, MONDO:0013938, OMIM 614872.
Peroxisome biogenesis disorder 7B (PBD7B). Identifiers: Orphanet 44, MedGen C3553951, MONDO:0013939, OMIM 614873.

Submission:

Labcorp Genetics (formerly Invitae), Labcorp
Classification: Pathogenic for Peroxisome biogenesis disorder 7A (Zellweger); Peroxisome biogenesis disorder 7B. Last evaluated: 2024-05-05. Review status: criteria provided, single submitter. Criteria: Invitae Variant Classification Sherloc (09022015). Collection method: clinical testing. Allele origin: germline.
Comment: This sequence change creates a premature translational stop signal (p.Glu72*) in the PEX26 gene. It is expected to result in an absent or disrupted protein product. Loss-of-function variants in PEX26 are known to be pathogenic (PMID: 12851857, 21031596). This variant is not present in population databases (gnomAD no frequency). This variant has not been reported in the literature in individuals affected with PEX26-related conditions. For these reasons, this variant has been classified as Pathogenic.

Literature cited by the submitters: PubMed 12851857; PubMed 21031596.

NM_001127649.3(PEX26):c.214G>T (p.Glu72Ter)

Gene: PEX26 (peroxisomal biogenesis factor 26; plus strand). Cytogenetic location: 22q11.21.
Variant type: single nucleotide variant.
Coding change: c.214G>T on transcript NM_001127649.3 (MANE Select); coding-DNA position 214, G replaced by T.
Protein change: p.Glu72Ter; replaces glutamic acid 72 with a stop codon.
Molecular consequence: nonsense.
Genome position (GRCh38, 1-based): chr22:18,078,590, G>T. VCF-style: chr22-18078590-G-T. GRCh37 (hg19) VCF-style: chr22-18561356-G-T.
Other names: c.214G>T, p.Glu72Ter (NM_001199319.2, NM_017929.6); short protein forms E72*.
Identifiers: ClinVar variation 3755800 (VCV003755800.2).